The following is an entry in ClinVar:

ClinVar aggregate classification (germline): Uncertain significance. Review status: criteria provided, multiple submitters, no conflicts (2 of 4 stars). 3 submissions from 3 submitters: Uncertain significance (3). Last evaluated 2025-10-08.

Conditions:
Paragangliomas with sensorineural hearing loss. Identifiers: MedGen C1868633.
Pheochromocytoma. Also called: MAX-Related Hereditary Paraganglioma-Pheochromocytoma Syndrome. Identifiers: Orphanet 29072, MedGen C0031511, MONDO:0008233, OMIM 171300, HP:0002666.
Cowden syndrome 3 (CWS3). Identifiers: Orphanet 201, MedGen CN166604, MONDO:0014045.
Carney-Stratakis syndrome. Also called: PARAGANGLIOMA AND GASTROINTESTINAL STROMAL TUMOR. Identifiers: Orphanet 97286, MedGen C1847319, MONDO:0011740, OMIM 606864.
Hereditary cancer-predisposing syndrome. Also called: Neoplastic Syndromes, Hereditary; Hereditary neoplastic syndrome; Tumor predisposition; Hereditary Cancer Syndrome. Identifiers: Orphanet 140162, MedGen C0027672, MeSH D009386, MONDO:0015356.
Hereditary pheochromocytoma and paraganglioma. Also called: Hereditary Paraganglioma-Pheochromocytoma Syndromes; Hereditary paragangliomas and pheochromocytomas; Hereditary pheochromocytoma-paraganglioma. Identifiers: Orphanet 29072, MedGen C4274332, MONDO:0017366.

Submissions (3):

Labcorp Genetics (formerly Invitae), Labcorp
Classification: Uncertain significance for Carney-Stratakis syndrome; Paragangliomas with sensorineural hearing loss; Pheochromocytoma; Cowden syndrome 3. Last evaluated: 2025-10-08. Review status: criteria provided, single submitter. Criteria: Invitae Variant Classification Sherloc (09022015). Collection method: clinical testing. Allele origin: germline.
Comment: This sequence change replaces arginine, which is basic and polar, with proline, which is neutral and non-polar, at codon 38 of the SDHD protein (p.Arg38Pro). This variant is not present in population databases (gnomAD no frequency). This variant has not been reported in the literature in individuals affected with SDHD-related conditions. ClinVar contains an entry for this variant (Variation ID: 465219). Invitae Evidence Modeling of protein sequence and biophysical properties (such as structural, functional, and spatial information, amino acid conservation, physicochemical variation, residue mobility, and thermodynamic stability) indicates that this missense variant is not expected to disrupt SDHD protein function with a negative predictive value of 95%. In summary, the available evidence is currently insufficient to determine the role of this variant in disease. Therefore, it has been classified as a Variant of Uncertain Significance.

Ambry Genetics
Classification: Uncertain significance for Hereditary cancer-predisposing syndrome. Last evaluated: 2025-02-02. Review status: criteria provided, single submitter. Criteria: Ambry Variant Classification Scheme 2023. Collection method: clinical testing. Allele origin: germline.
Comment: The p.R38P variant (also known as c.113G>C), located in coding exon 2 of the SDHD gene, results from a G to C substitution at nucleotide position 113. This alteration was identified in a gastrointestinal stromal tumor cohort (Indio V et al. Int J Mol Sci, 2018 Mar;19:). The arginine at codon 38 is replaced by proline, an amino acid with dissimilar properties. This amino acid position is not well conserved in available vertebrate species. In addition, the in silico prediction for this alteration is inconclusive. Since supporting evidence is limited at this time, the clinical significance of this alteration remains unclear.

All of Us Research Program, National Institutes of Health
Classification: Uncertain significance for Hereditary pheochromocytoma and paraganglioma. Last evaluated: 2023-12-18. Review status: criteria provided, single submitter. Criteria: ACMG Guidelines, 2015. Collection method: clinical testing. Allele origin: germline. Inheritance: Autosomal dominant inheritance. Observed: 3 variant alleles, 3 heterozygotes.
Comment: This missense variant replaces arginine with proline at codon 38 of the SDHD protein. Computational prediction suggests that this variant may not impact protein structure and function (internally defined REVEL score threshold <= 0.5, PMID: 27666373). To our knowledge, functional studies have not been reported for this variant. This variant has been reported in an individual affected with a gastrointestinal stromal tumor (PMID:29510530). This variant has not been identified in the general population by the Genome Aggregation Database (gnomAD). The available evidence is insufficient to determine the role of this variant in disease conclusively. Therefore, this variant is classified as a Variant of Uncertain Significance.

This study involves interpretation of variants in research participants for the purpose of population health screening. Participant phenotype was not available at the time of variant classification. Additional details can be found in publication PMID: 35346344, PMCID: PMC8962531

Literature cited by the submitters: PubMed 29510530 (cited by Ambry Genetics and All of Us Research Program, National Institutes of Health).

NM_003002.4(SDHD):c.113G>C (p.Arg38Pro)

Gene: SDHD (succinate dehydrogenase complex subunit D; plus strand). Cytogenetic location: 11q23.1.
Variant type: single nucleotide variant.
Coding change: c.113G>C on transcript NM_003002.4 (MANE Select); coding-DNA position 113, G replaced by C.
Protein change: p.Arg38Pro; replaces arginine 38 with proline.
Molecular consequence: missense variant. On other transcripts: non-coding transcript variant (1), intron variant (1).
Genome position (GRCh38, 1-based): chr11:112,087,917, G>C. VCF-style: chr11-112087917-G-C. GRCh37 (hg19) VCF-style: chr11-111958641-G-C.
Other names: c.113G>C (NM_003002.2); c.113G>C, p.Arg38Pro (NM_001276503.2, NM_001276506.2); c.53-950G>C (NM_001276504.2); short protein forms R38P.
Identifiers: ClinVar variation 465219 (VCV000465219.15), dbSNP rs199901239, ClinGen allele CA228551108.